The following is an entry in ClinVar:

ClinVar aggregate classification (germline): Uncertain significance. Review status: criteria provided, multiple submitters, no conflicts (2 of 4 stars). 3 submissions from 3 submitters: Uncertain significance (3). Last evaluated 2024-09-29.

Conditions:
Hereditary cancer-predisposing syndrome. Also called: Tumor predisposition; Hereditary neoplastic syndrome; Neoplastic Syndromes, Hereditary; Hereditary Cancer Syndrome. Identifiers: Orphanet 140162, MedGen C0027672, MeSH D009386, MONDO:0015356.
Ataxia-telangiectasia syndrome (AT). Also called: Ataxia-telangiectasia, complementation group D; Cerebello-oculocutaneous telangiectasia; Immunodeficiency with ataxia telangiectasia; LOUIS-BAR SYNDROME; Ataxia-telangiectasia; AT, COMPLEMENTATION GROUP C. Identifiers: Orphanet 100, MedGen C0004135, MONDO:0008840, OMIM 208900.

Submissions (3):

Labcorp Genetics (formerly Invitae), Labcorp
Classification: Uncertain significance for Ataxia-telangiectasia syndrome. Last evaluated: 2024-09-29. Review status: criteria provided, single submitter. Criteria: Invitae Variant Classification Sherloc (09022015). Collection method: clinical testing. Allele origin: germline.
Comment: This sequence change replaces glutamic acid, which is acidic and polar, with aspartic acid, which is acidic and polar, at codon 1313 of the ATM protein (p.Glu1313Asp). This variant is not present in population databases (gnomAD no frequency). This variant has not been reported in the literature in individuals affected with ATM-related conditions. ClinVar contains an entry for this variant (Variation ID: 933192). An algorithm developed to predict the effect of missense changes on protein structure and function outputs the following: PolyPhen-2: "Benign". The aspartic acid amino acid residue is found in multiple mammalian species, which suggests that this missense change does not adversely affect protein function. In summary, the available evidence is currently insufficient to determine the role of this variant in disease. Therefore, it has been classified as a Variant of Uncertain Significance.

Ambry Genetics
Classification: Uncertain significance for Hereditary cancer-predisposing syndrome. Last evaluated: 2023-07-31. Review status: criteria provided, single submitter. Criteria: Ambry Variant Classification Scheme 2023. Collection method: clinical testing. Allele origin: germline.
Comment: The p.E1313D variant (also known as c.3939G>C), located in coding exon 25 of the ATM gene, results from a G to C substitution at nucleotide position 3939. The glutamic acid at codon 1313 is replaced by aspartic acid, an amino acid with highly similar properties. This amino acid position is conserved. In addition, this alteration is predicted to be tolerated by in silico analysis. Since supporting evidence is limited at this time, the clinical significance of this alteration remains unclear.

Women's Health and Genetics/Laboratory Corporation of America, LabCorp
Classification: Uncertain significance. Last evaluated: 2020-06-08. Review status: criteria provided, single submitter. Criteria: LabCorp Variant Classification Summary - May 2015. Collection method: clinical testing. Allele origin: germline.
Comment: Variant summary: ATM c.3939G>C (p.Glu1313Asp) results in a conservative amino acid change in the encoded protein sequence. Four of five in-silico tools predict a benign effect of the variant on protein function. The variant was absent in 251228 control chromosomes. The available data on variant occurrences in the general population are insufficient to allow any conclusion about variant significance. To our knowledge, no occurrence of c.3939G>C in individuals affected with Breast Cancer and no experimental evidence demonstrating its impact on protein function have been reported. No clinical diagnostic laboratories have submitted clinical-significance assessments for this variant to ClinVar after 2014. Based on the evidence outlined above, the variant was classified as uncertain significance.

NM_000051.4(ATM):c.3939G>C (p.Glu1313Asp)

Gene: ATM (ATM serine/threonine kinase; plus strand). Cytogenetic location: 11q22.3.
Variant type: single nucleotide variant.
Coding change: c.3939G>C on transcript NM_000051.4 (MANE Select); coding-DNA position 3939, G replaced by C.
Protein change: p.Glu1313Asp; replaces glutamic acid 1313 with aspartic acid.
Molecular consequence: missense variant.
Genome position (GRCh38, 1-based): chr11:108,284,419, G>C. VCF-style: chr11-108284419-G-C. GRCh37 (hg19) VCF-style: chr11-108155146-G-C.
Other names: c.3939G>C, p.Glu1313Asp (NM_001351834.2); short protein forms E1313D.
Identifiers: ClinVar variation 933192 (VCV000933192.5), dbSNP rs2082386564, ClinGen allele CA382525957.